The following is an entry in ClinVar:

NM_000135.4(FANCA):c.1213C>T (p.Gln405Ter)

Gene: FANCA (FA complementation group A; minus strand). Cytogenetic location: 16q24.3.
Variant type: single nucleotide variant.
Coding change: c.1213C>T on transcript NM_000135.4 (MANE Select); coding-DNA position 1213, C replaced by T.
Protein change: p.Gln405Ter; replaces glutamine 405 with a stop codon.
Molecular consequence: nonsense.
Genome position (GRCh38, 1-based): chr16:89,791,939, G>A on the plus strand (C>T on the coding strand, the complement: FANCA is on the minus strand). VCF-style: chr16-89791939-G-A. GRCh37 (hg19) VCF-style: chr16-89858347-G-A.
Other names: c.1213C>T, p.Gln405Ter (NM_001286167.3); c.1213C>T (NM_000135.3); short protein forms Q405*.
Identifiers: ClinVar variation 1420592 (VCV001420592.16), dbSNP rs1280130060, ClinGen allele CA397465957.
Genomic context (GRCh38, chr16:89,791,939, plus strand): 5'-CCTACACACACTCTTGACCAGCACCACCGGGCTCGCGTAAAAGCTCACCTTCAAGCAGCT[G>A]CTGCGCTTCTGGAAAGCAGACAACCAGGGCAGACACAAAGGAGAGCACTCTCTGCCAGTG-3'

ClinVar aggregate classification (germline): Pathogenic/Likely pathogenic. Review status: criteria provided, multiple submitters, no conflicts (2 of 4 stars). 7 submissions from 7 submitters: Pathogenic (6); Likely pathogenic (1). Last evaluated 2026-06-22.

Conditions:
Fanconi anemia (FA). Also called: Fanconi's anemia. Identifiers: Orphanet 84, MedGen C0015625, MeSH D005199, MONDO:0019391.
Fanconi anemia complementation group A (FANCA). Also called: FANCA-Related Fanconi Anemia; Fanconi anemia, group A. Identifiers: Orphanet 84, MedGen C3469521, MONDO:0009215, OMIM 227650.
FANCA-related disorder. Also called: FANCA-related condition.

Allele frequency attached by ClinVar (database versions not stated): gnomAD exomes below 0.00001; gnomAD 0.00001; TOPMed 0.00002.

Submissions (7):

Women's Health and Genetics/Laboratory Corporation of America, LabCorp
Classification: Pathogenic for Fanconi anemia. Last evaluated: 2026-06-22. Review status: criteria provided, single submitter. Criteria: LabCorp Variant Classification Summary - May 2015. Collection method: clinical testing. Allele origin: germline.
Comment: Variant summary: FANCA c.1213C>T (p.Gln405X) results in a premature termination codon, predicted to cause a truncation of the encoded protein or absence of the protein due to nonsense mediated decay, which are commonly known mechanisms for disease. The variant allele was found at a frequency of 4e-06 in 251438 control chromosomes. c.1213C>T has been observed in individual(s) affected with FANCA-related conditions (example, Li_2018). These report(s) do not provide unequivocal conclusions about association of the variant with disease. To our knowledge, no experimental evidence demonstrating an impact on protein function has been reported. The following publication has been ascertained in the context of this evaluation (PMID: 30031030). ClinVar contains an entry for this variant (Variation ID: 1420592). Based on the evidence outlined above, the variant was classified as pathogenic.

Natera, Inc.
Classification: Pathogenic for Fanconi anemia. Last evaluated: 2025-03-15. Review status: criteria provided, single submitter. Criteria: Natera Variant Classification Schema (03/2026). Collection method: clinical testing. Allele origin: germline.
Comment: The c.1213C>T variant in FANCA is a nonsense variant predicted to introduce a stop codon at amino acid 405. This variant is expected to result in nonsense mediated decay, truncation, or a dysfunctional protein product. This variant is rare in the general population with a frequency below the threshold expected for the associated phenotype(s). This variant has been observed in one or more individuals affected with the associated recessive disease, as either homozygous or compound heterozygous with a second variant (PMID: 30031030). Given the available evidence, this variant is classified as Pathogenic.

PreventionGenetics, part of Exact Sciences
Classification: Pathogenic for FANCA-related condition. Last evaluated: 2025-02-04. Review status: criteria provided, single submitter. Criteria: ACMG Guidelines, 2015. Collection method: clinical testing. Allele origin: germline.
Comment: The FANCA c.1213C>T variant is predicted to result in premature protein termination (p.Gln405*). This variant has been reported in the compound heterozygous state in individuals with Fanconi anemia or FANCA-related disorders (Li et al. 2018. PubMed ID: 30031030; Li et al. 2017. PubMed ID: 28623394). This variant is reported in 0.012% of alleles in individuals of African descent in gnomAD. Nonsense variants in FANCA are expected to be pathogenic. This variant is interpreted as pathogenic.

Baylor Genetics
Classification: Pathogenic for Fanconi anemia complementation group A. Last evaluated: 2024-03-22. Review status: criteria provided, single submitter. Criteria: ACMG Guidelines, 2015. Collection method: clinical testing. Allele origin: unknown.

GeneDx
Classification: Pathogenic. Last evaluated: 2024-03-19. Review status: criteria provided, single submitter. Criteria: GeneDx Variant Classification Process June 2021. Collection method: clinical testing. Allele origin: germline. Affected: yes.
Comment: Nonsense variant predicted to result in protein truncation or nonsense mediated decay in a gene for which loss of function is a known mechanism of disease; This variant is associated with the following publications: (PMID: 36113475, 30031030, 32850347, 28623394)

Labcorp Genetics (formerly Invitae), Labcorp
Classification: Pathogenic for Fanconi anemia. Last evaluated: 2023-10-06. Review status: criteria provided, single submitter. Criteria: Invitae Variant Classification Sherloc (09022015). Collection method: clinical testing. Allele origin: germline.
Comment: This sequence change creates a premature translational stop signal (p.Gln405*) in the FANCA gene. It is expected to result in an absent or disrupted protein product. Loss-of-function variants in FANCA are known to be pathogenic (PMID: 19367192). This variant is present in population databases (no rsID available, gnomAD 0.01%). This premature translational stop signal has been observed in individual(s) with clinical features of Fanconi anemia (PMID: 30031030). ClinVar contains an entry for this variant (Variation ID: 1420592). For these reasons, this variant has been classified as Pathogenic.

Sema4
Classification: Likely pathogenic for Fanconi anemia. Last evaluated: 2021-12-17. Review status: criteria provided, single submitter. Criteria: Sema4 Curation Guidelines. Collection method: curation. Allele origin: germline.
Comment: The FANCA c.1213C>T (p.Q405X) variant has been reported as compound heterozygous in at least one individual with Fanconi anemia (PMID: 28623394). It has also been reported in one individual with multiple primary malignancies, tyroid cancer and gastric adenocarcinoma (PMID: 32850347). This nonsense variant creates a premature stop codon at residue 405 of the FANCA protein. At this location, this variant is predicted to cause loss of normal protein function either through protein truncation or nonsense-mediated mRNA decay. This variant was observed in 3/24966 chromosomes in the African/African American population according to the Genome Aggregation Database (PMID: 32461654). This variant has not been reported in ClinVar. Based on the current evidence available, this variant is interpreted as likely pathogenic.

Literature cited by the submitters: PubMed 30031030 (cited by 3 submitters); PubMed 19367192 (cited by Labcorp Genetics (formerly Invitae), Labcorp); PubMed 28623394 (cited by Sema4); PubMed 32850347 (cited by Sema4).